The following is an entry in ClinVar:

ClinVar aggregate classification (germline): Uncertain significance (1 of 4 stars; one submission).

Conditions:
Sifrim-Hitz-Weiss syndrome (SIHIWES). Also called: SIFRIM-HITZ-WEISS MULTIPLE CONGENITAL ANOMALIES-MENTAL RETARDATION SYNDROME; CHD4 Neurodevelopmental Disorder. Identifiers: Orphanet 653712, MedGen C4310688, MONDO:0014946, OMIM 617159.

Submission:

OLLIN Analises Genomicas, OLLIN
Classification: Uncertain significance for Sifrim-Hitz-Weiss syndrome. Last evaluated: 2026-08-06. Review status: criteria provided, single submitter. Criteria: ACMG Guidelines 2015 PMID 25741868. Collection method: clinical testing. Allele origin: germline. Inheritance: Autosomal dominant inheritance.
Comment: This synonymous variant, located in exon 8 (of 40), is absent from gnomAD and ClinVar and has not been identified in the literature. Although this variant does not alter the encoded amino acid, there is evidence that it affects splicing, potentially resulting in aberrant transcript processing, exon skipping, mRNA degradation via nonsense-mediated decay (NMD), or production of a truncated protein. According to the currently available evidence, this variant has been classified as uncertain significance (PM2_P, PP3_P).

NM_001273.5(CHD4):c.1062A>G (p.Lys354=)

Gene: CHD4 (chromodomain helicase DNA binding protein 4; minus strand). Cytogenetic location: 12p13.31.
Variant type: single nucleotide variant.
Coding change: c.1062A>G on transcript NM_001273.5 (MANE Select); coding-DNA position 1062, A replaced by G.
Protein change: p.Lys354=; no amino-acid change (lysine 354 retained).
Molecular consequence: synonymous variant.
Genome position (GRCh38, 1-based): chr12:6,600,535, T>C on the plus strand (A>G on the coding strand, the complement: CHD4 is on the minus strand). VCF-style: chr12-6600535-T-C. GRCh37 (hg19) VCF-style: chr12-6709701-T-C.
Other names: c.1041A>G, p.Lys347= (NM_001297553.2); c.1062A>G, p.Lys354= (NM_001363606.2).
Identifiers: ClinVar variation 5002865 (VCV005002865.1).